The following is an entry in ClinVar:

ClinVar aggregate classification (germline): Pathogenic (1 of 4 stars; one submission).

Conditions:
Hereditary cancer-predisposing syndrome. Also called: Neoplastic Syndromes, Hereditary; Tumor predisposition; Hereditary Cancer Syndrome; Hereditary neoplastic syndrome. Identifiers: Orphanet 140162, MedGen C0027672, MeSH D009386, MONDO:0015356.

Submission:

Ambry Genetics
Classification: Pathogenic for Hereditary cancer-predisposing syndrome. Last evaluated: 2021-11-24. Review status: criteria provided, single submitter. Criteria: Ambry Variant Classification Scheme 2023. Collection method: clinical testing. Allele origin: germline.
Comment: The c.866_869delAAAA pathogenic mutation, located in coding exon 7 of the CHEK2 gene, results from a deletion of 4 nucleotides at nucleotide positions 866 to 869, causing a translational frameshift with a predicted alternate stop codon (p.K289Tfs*14). This mutation has been reported in two large cohorts of Chinese breast cancer patients (Sun J et al. Clin Cancer Res, 2017 Oct;23:6113-6119; Fan Z et al. Breast Cancer Res Treat, 2018 May;169:59-67). In addition to the clinical data presented in the literature, this alteration is expected to result in loss of function by premature protein truncation or nonsense-mediated mRNA decay. As such, this alteration is interpreted as a disease-causing mutation.

Literature cited by the submitters: PubMed 28724667; PubMed 29356917.

NM_007194.4(CHEK2):c.866_869del (p.Lys289fs)

Gene: CHEK2 (checkpoint kinase 2; minus strand). Cytogenetic location: 22q12.1.
Variant type: Deletion.
Coding change: c.866_869del on transcript NM_007194.4 (MANE Select); coding-DNA positions 866 to 869, 4 bases deleted (AAAA; older notation c.866_869delAAAA).
Protein change: p.Lys289fs; shifts the reading frame from lysine 289.
Molecular consequence: frameshift variant.
Genome position (GRCh38, 1-based): chr22:28,703,544-28,703,547, TTTT deleted on the plus strand (AAAA on the coding strand, the reverse complement: CHEK2 is on the minus strand); deleting any 4 consecutive bases within chr22:28,703,544-28,703,548 gives the same sequence; the c. name uses the placement nearest the transcript's 3' end. VCF-style (leftmost placement, unchanged base first): chr22-28703543-GTTTT-G. GRCh37 (hg19) VCF-style: chr22-29099531-GTTTT-G.
Other names: c.994_997delAAAA, p.Lys332Thrfs (NM_001005735.3); c.202_205delAAAA, p.Lys68Thrfs (NM_001257387.3); c.664_667delAAAA, p.Lys222Thrfs (NM_001349956.3); c.865_868delAAAA, p.Lys289Thrfs (NM_145862.3); short protein forms K222fs, K289fs, K68fs, K332fs.
Identifiers: ClinVar variation 1764225 (VCV001764225.2), dbSNP rs1422634212, ClinGen allele CA2580099381.